The following is an entry in ClinVar:

ClinVar aggregate classification (germline): Uncertain significance (1 of 4 stars; one submission).

Conditions:
Cardiovascular phenotype. Identifiers: MedGen CN230736.

Submission:

Ambry Genetics
Classification: Uncertain significance for Cardiovascular phenotype. Last evaluated: 2026-04-25. Review status: criteria provided, single submitter. Criteria: Ambry Variant Classification Scheme 2023. Collection method: clinical testing. Allele origin: germline.
Comment: The p.E313K variant (also known as c.937G>A), located in coding exon 9 of the PTPN11 gene, results from a G to A substitution at nucleotide position 937. The glutamic acid at codon 313 is replaced by lysine, an amino acid with similar properties. This amino acid position is conserved. In addition, this alteration is predicted to be deleterious by in silico analysis. Based on the available evidence, the clinical significance of this variant remains unclear.

NM_002834.5(PTPN11):c.937G>A (p.Glu313Lys)

Gene: PTPN11 (protein tyrosine phosphatase non-receptor type 11; plus strand). Cytogenetic location: 12q24.13.
Variant type: single nucleotide variant.
Coding change: c.937G>A on transcript NM_002834.5 (MANE Select); coding-DNA position 937, G replaced by A.
Protein change: p.Glu313Lys; replaces glutamic acid 313 with lysine.
Molecular consequence: missense variant.
Genome position (GRCh38, 1-based): chr12:112,477,860, G>A. VCF-style: chr12-112477860-G-A. GRCh37 (hg19) VCF-style: chr12-112915664-G-A.
Other names: c.937G>A, p.Glu313Lys (NM_001330437.2, NM_080601.3); c.934G>A, p.Glu312Lys (NM_001374625.1); short protein forms E312K, E313K.
Identifiers: ClinVar variation 4862768 (VCV004862768.1).
Genomic context (GRCh38, chr12:112,477,860, plus strand): 5'-CTCATGTCCTGAAAGTAACTTTAAGGTGTTTGAAGGATTTTCTTCCTAAATTTCTAGCCT[G>A]AATTTGAAACCAAGTGCAACAATTCAAAGCCCAAAAAGAGTTACATTGCCACACAAGGCT-3'
Protein context (NP_002825.3, residues 303-323): DYINANIIMP[Glu313Lys]FETKCNNSKP